The following is an entry in ClinVar:

NM_001148.6(ANK2):c.9425C>T (p.Thr3142Ile)

Gene: ANK2 (ankyrin 2; plus strand). Cytogenetic location: 4q26.
Variant type: single nucleotide variant.
Coding change: c.9425C>T on transcript NM_001148.6 (MANE Select); coding-DNA position 9425, C replaced by T.
Protein change: p.Thr3142Ile; replaces threonine 3142 with isoleucine.
Molecular consequence: missense variant. On other transcripts: intron variant (68).
Genome position (GRCh38, 1-based): chr4:113,358,043, C>T. VCF-style: chr4-113358043-C-T. GRCh37 (hg19) VCF-style: chr4-114279199-C-T.
Other names: c.9191C>T, p.Thr3064Ile (NM_001386142.1); c.5825C>T, p.Thr1942Ile (NM_001386166.1); c.9566C>T, p.Thr3189Ile (NM_001386174.1); c.9542C>T, p.Thr3181Ile (NM_001386175.1); c.4412-2780C>T (NM_001386186.2, NM_001386148.2); c.4214-2780C>T (NM_001354269.3); c.4292-2780C>T (NM_001386187.2); c.4253-2780C>T (NM_001386147.1); and 35 more; short protein forms T1942I, T3064I, T3142I, T3181I, T3189I.
Identifiers: ClinVar variation 1321012 (VCV001321012.3), dbSNP rs768052634, ClinGen allele CA357937472.
Genomic context (GRCh38, chr4:113,358,043, plus strand): 5'-GGTCCTATGCAGATGAAAGTTTTCACTTTTTCCAAATTGGTCAAGAATCCAGGGAAGAGA[C>T]TCTCTCTGAAGATGTGAAAGAAGGGGCTACTGGGGCTGATCCCCTACCGCTGGAGACATC-3'
Protein context (NP_001139.3, residues 3132-3152): FQIGQESREE[Thr3142Ile]LSEDVKEGAT

ClinVar aggregate classification (germline): Uncertain significance. Review status: criteria provided, multiple submitters, no conflicts (2 of 4 stars). 2 submissions from 2 submitters: Uncertain significance (2). Last evaluated 2021-09-30.

Allele frequency attached by ClinVar (database versions not stated): gnomAD exomes below 0.00001; TOPMed below 0.00001.
gnomAD v4.1: 2 of 1,614,024 alleles (0.00012%); highest among the groups gnomAD compares: Admixed American, 0.0017%; no homozygotes.

Submissions (2):

Blueprint Genetics
Classification: Uncertain significance. Last evaluated: 2021-09-30. Review status: criteria provided, single submitter. Criteria: ACMG Guidelines, 2015. Collection method: clinical testing. Allele origin: germline.

GeneDx
Classification: Uncertain significance. Last evaluated: 2019-09-23. Review status: criteria provided, single submitter. Criteria: GeneDx Variant Classification Process June 2021. Collection method: clinical testing. Allele origin: germline. Affected: yes.
Comment: Has not been previously published as pathogenic or benign to our knowledge; Not observed in large population cohorts (Lek et al., 2016); In silico analysis, which includes protein predictors and evolutionary conservation, supports that this variant does not alter protein structure/function